The following is an entry in ClinVar:

ClinVar aggregate classification (germline): Uncertain significance (1 of 4 stars; one submission).

Submission:

Labcorp Genetics (formerly Invitae), Labcorp
Classification: Uncertain significance. Last evaluated: 2024-11-22. Review status: criteria provided, single submitter. Criteria: Invitae Variant Classification Sherloc (09022015). Collection method: clinical testing. Allele origin: germline.
Comment: This sequence change replaces threonine, which is neutral and polar, with alanine, which is neutral and non-polar, at codon 237 of the ARHGAP31 protein (p.Thr237Ala). This variant is not present in population databases (gnomAD no frequency). This variant has not been reported in the literature in individuals affected with ARHGAP31-related conditions. An algorithm developed to predict the effect of missense changes on protein structure and function (PolyPhen-2) suggests that this variant is likely to be tolerated. In summary, the available evidence is currently insufficient to determine the role of this variant in disease. Therefore, it has been classified as a Variant of Uncertain Significance.

NM_020754.4(ARHGAP31):c.709A>G (p.Thr237Ala)

Gene: ARHGAP31 (Rho GTPase activating protein 31; plus strand). Cytogenetic location: 3q13.33.
Variant type: single nucleotide variant.
Coding change: c.709A>G on transcript NM_020754.4 (MANE Select); coding-DNA position 709, A replaced by G.
Protein change: p.Thr237Ala; replaces threonine 237 with alanine.
Molecular consequence: missense variant.
Genome position (GRCh38, 1-based): chr3:119,390,811, A>G. VCF-style: chr3-119390811-A-G. GRCh37 (hg19) VCF-style: chr3-119109658-A-G.
Other names: short protein forms T237A.
Identifiers: ClinVar variation 3691354 (VCV003691354.2).